The following is an entry in ClinVar:

ClinVar aggregate classification (germline): Conflicting classifications of pathogenicity. Review status: criteria provided, conflicting classifications (1 of 4 stars). 4 submissions from 4 submitters: Uncertain significance (3); Likely benign (1). Last evaluated 2025-02-17.

Conditions:
Cardiomyopathy (CMYO). Also called: Cardiomyopathies. Identifiers: Orphanet 167848, MedGen C0878544, MONDO:0004994, HP:0001638. Inheritance: Various modes of inheritance.
Cardiovascular phenotype. Identifiers: MedGen CN230736.
Arrhythmogenic cardiomyopathy with wooly hair and keratoderma. Also called: PALMOPLANTAR KERATODERMA WITH LEFT VENTRICULAR CARDIOMYOPATHY AND WOOLLY HAIR; Arrhythmogenic cardiomyopathy with woolly hair and keratoderma; Dilated cardiomyopathy with woolly hair and keratoderma; Carvajal syndrome. Identifiers: Orphanet 65282, MedGen C1854063, MONDO:0011581, OMIM 605676.
Arrhythmogenic right ventricular dysplasia 8 (ARVD8). Also called: ARRHYTHMOGENIC RIGHT VENTRICULAR CARDIOMYOPATHY 8; ARRHYTHMOGENIC RIGHT VENTRICULAR DYSPLASIA, FAMILIAL, 8; Arrhythmogenic Right Ventricular Dysplasia/Cardiomyopathy 8. Identifiers: MedGen C1843896, MONDO:0011831, OMIM 607450.

Allele frequency attached by ClinVar (database versions not stated): ExAC 0.00001; gnomAD exomes 0.00001 and 0.00002; gnomAD 0.00002 and 0.00003; TOPMed 0.00003.

Submissions (4):

Labcorp Genetics (formerly Invitae), Labcorp
Classification: Likely benign for Arrhythmogenic cardiomyopathy with wooly hair and keratoderma; Arrhythmogenic right ventricular dysplasia 8. Last evaluated: 2025-02-17. Review status: criteria provided, single submitter. Criteria: Invitae Variant Classification Sherloc (09022015). Collection method: clinical testing. Allele origin: germline.

Ambry Genetics
Classification: Uncertain significance for Cardiovascular phenotype. Last evaluated: 2023-12-06. Review status: criteria provided, single submitter. Criteria: Ambry Variant Classification Scheme 2023. Collection method: clinical testing. Allele origin: germline.
Comment: The p.S1795T variant (also known as c.5383T>A), located in coding exon 24 of the DSP gene, results from a T to A substitution at nucleotide position 5383. The serine at codon 1795 is replaced by threonine, an amino acid with similar properties. This amino acid position is highly conserved in available vertebrate species. In addition, the in silico prediction for this alteration is inconclusive. Since supporting evidence is limited at this time, the clinical significance of this alteration remains unclear.

All of Us Research Program, National Institutes of Health
Classification: Uncertain significance for Arrhythmogenic cardiomyopathy with wooly hair and keratoderma. Last evaluated: 2023-08-08. Review status: criteria provided, single submitter. Criteria: ACMG Guidelines, 2015. Collection method: clinical testing. Allele origin: germline. Inheritance: Autosomal dominant inheritance. Observed: 1 variant allele, 1 heterozygote.
Comment: This missense variant replaces serine with threonine at codon 1795 of the DSP protein. Computational prediction suggests that this variant may not impact protein structure and function (internally defined REVEL score threshold <= 0.5, PMID: 27666373). To our knowledge, functional studies have not been performed for this variant. This variant has been reported in an individual affected with arrhythmogenic right ventricular cardiomyopathy (PMID: 32659924). This variant has been identified in 3/282582 chromosomes in the general population by the Genome Aggregation Database (gnomAD). The available evidence is insufficient to determine the role of this variant in disease conclusively. Therefore, this variant is classified as a Variant of Uncertain Significance.

This study involves interpretation of variants in research participants for the purpose of population health screening. Participant phenotype was not available at the time of variant classification. Additional details can be found in publication PMID: 35346344, PMCID: PMC8962531

Color Diagnostics, LLC DBA Color Health
Classification: Uncertain significance for Cardiomyopathy. Last evaluated: 2023-07-28. Review status: criteria provided, single submitter. Criteria: ACMG Guidelines, 2015. Collection method: clinical testing. Allele origin: germline.
Comment: This missense variant replaces serine with threonine at codon 1795 of the DSP protein. Computational prediction suggests that this variant may not impact protein structure and function (internally defined REVEL score threshold <= 0.5, PMID: 27666373). To our knowledge, functional studies have not been performed for this variant. This variant has been reported in an individual affected with arrhythmogenic right ventricular cardiomyopathy (PMID: 32659924). This variant has been identified in 3/282582 chromosomes in the general population by the Genome Aggregation Database (gnomAD). The available evidence is insufficient to determine the role of this variant in disease conclusively. Therefore, this variant is classified as a Variant of Uncertain Significance.

Literature cited by the submitters: PubMed 32659924 (cited by All of Us Research Program, National Institutes of Health and Color Diagnostics, LLC DBA Color Health).

NM_004415.4(DSP):c.5383T>A (p.Ser1795Thr)

Gene: DSP (desmoplakin; plus strand). Cytogenetic location: 6p24.3.
Variant type: single nucleotide variant.
Coding change: c.5383T>A on transcript NM_004415.4 (MANE Select); coding-DNA position 5383, T replaced by A.
Protein change: p.Ser1795Thr; replaces serine 1795 with threonine.
Molecular consequence: missense variant.
Genome position (GRCh38, 1-based): chr6:7,582,645, T>A. VCF-style: chr6-7582645-T-A. GRCh37 (hg19) VCF-style: chr6-7582878-T-A.
Other names: c.5383T>A (LRG_423t1); c.3586T>A, p.Ser1196Thr (NM_001008844.3); c.4054T>A, p.Ser1352Thr (NM_001319034.2); short protein forms S1795T, S1196T, S1352T.
Identifiers: ClinVar variation 518791 (VCV000518791.20), dbSNP rs764279057, ClinGen allele CA044883.